The following is an entry in ClinVar:

NM_000878.5(IL2RB):c.235G>A (p.Val79Met)

Gene: IL2RB (interleukin 2 receptor subunit beta; minus strand). Cytogenetic location: 22q12.3.
Variant type: single nucleotide variant.
Coding change: c.235G>A on transcript NM_000878.5 (MANE Select); coding-DNA position 235, G replaced by A.
Protein change: p.Val79Met; replaces valine 79 with methionine.
Molecular consequence: missense variant.
Genome position (GRCh38, 1-based): chr22:37,142,481, C>T on the plus strand (G>A on the coding strand, the complement: IL2RB is on the minus strand). VCF-style: chr22-37142481-C-T. GRCh37 (hg19) VCF-style: chr22-37538521-C-T.
Other names: p.Val79Met; c.235G>A (NM_000878.4); c.235G>A, p.Val79Met (NM_001346222.1, NM_001346223.2); short protein forms V79M.
Identifiers: ClinVar variation 719309 (VCV000719309.43), dbSNP rs149508414, ClinGen allele CA10216684.
Genomic context (GRCh38, chr22:37,142,481, plus strand): 5'-GTGGGCTACTCACATCTGGGGCTCCGAGGATCAGGTTGCAGGCCCAGGATGCTTGACTCA[C>T]GGGGAGCAGCTCACAGGTTTGGTTCCACCGCCTTTCATGGCAAAAGACCCTCTTTAGAAG-3'
Protein context (NP_000869.1, residues 69-89): RWNQTCELLP[Val79Met]SQASWACNLI

ClinVar aggregate classification (germline): Benign/Likely benign. Review status: criteria provided, multiple submitters, no conflicts (2 of 4 stars). 7 submissions from 7 submitters: Benign (3); Likely benign (1). 3 of the submissions do not count toward it. Last evaluated 2026-09-01.

Conditions:
IL2RB-related disorder. Also called: IL2RB-related condition.

Allele frequency attached by ClinVar (database versions not stated): ESP Exome Variant Server 0.00223; gnomAD 0.00314 and 0.00319; gnomAD exomes 0.00352 and 0.00359; ExAC 0.00386; 1000 Genomes Project 30x 0.00187; 1000 Genomes Project 0.00200; TOPMed 0.00204.
gnomAD v4.1: 5,690 of 1,614,162 alleles (0.35%); highest among the groups gnomAD compares: Non-Finnish European, 0.38%; 21 homozygotes.

Submissions (7):

CeGaT Center for Human Genetics Tuebingen
Classification: Likely benign. Last evaluated: 2026-09-01. Review status: criteria provided, single submitter. Criteria: CeGaT Center For Human Genetics Tuebingen Variant Classification Criteria Version 2. Collection method: clinical testing. Allele origin: germline. Affected: yes. Observed: 5 variant alleles.
Comment: IL2RB: BP4, BS2

Labcorp Genetics (formerly Invitae), Labcorp
Classification: Benign. Last evaluated: 2026-02-03. Review status: criteria provided, single submitter. Criteria: Invitae Variant Classification Sherloc (09022015). Collection method: clinical testing. Allele origin: germline.

Mayo Clinic Laboratories, Mayo Clinic
Classification: Benign. Last evaluated: 2024-08-06. Review status: criteria provided, single submitter. Criteria: ACMG Guidelines, 2015. Collection method: clinical testing. Allele origin: germline. Observed: 4 variant alleles.
Comment: BA1, BS2, BP4

Breakthrough Genomics
Classification: Benign. Review status: criteria provided, single submitter. Criteria: ACMG Guidelines, 2015. Collection method: not provided. Allele origin: germline. Inheritance: Autosomal recessive inheritance. Affected: yes.

PreventionGenetics, part of Exact Sciences
Classification: Benign for IL2RB-related condition. Last evaluated: 2019-11-26. Review status: no assertion criteria provided. Collection method: clinical testing. Allele origin: germline. Not counted in ClinVar's aggregate classification.
Comment: This variant is classified as benign based on ACMG/AMP sequence variant interpretation guidelines (Richards et al. 2015 PMID: 25741868, with internal and published modifications).

Clinical Genetics DNA and cytogenetics Diagnostics Lab, Erasmus MC, Erasmus Medical Center
Classification: Likely benign. Review status: no assertion criteria provided. Collection method: clinical testing. Allele origin: germline. Affected: yes. Study: VKGL Data-share Consensus. Not counted in ClinVar's aggregate classification.

Genome Diagnostics Laboratory, University Medical Center Utrecht
Classification: Likely benign. Review status: no assertion criteria provided. Collection method: clinical testing. Allele origin: germline. Affected: yes. Study: VKGL Data-share Consensus. Not counted in ClinVar's aggregate classification.